The following is an entry in ClinVar:

ClinVar aggregate classification (germline): Pathogenic (1 of 4 stars; one submission).

Conditions:
Fanconi anemia (FA). Also called: Fanconi's anemia. Identifiers: Orphanet 84, MedGen C0015625, MeSH D005199, MONDO:0019391.

Submission:

Labcorp Genetics (formerly Invitae), Labcorp
Classification: Pathogenic for Fanconi anemia. Last evaluated: 2023-07-28. Review status: criteria provided, single submitter. Criteria: Invitae Variant Classification Sherloc (09022015). Collection method: clinical testing. Allele origin: unknown.
Comment: This variant is a gross deletion of the genomic region encompassing exon(s) 11-43 of the FANCA gene, which includes the termination codon. This deletion extends beyond the assayed region for this gene and therefore may encompass additional genes. While this deletion is not anticipated to lead to nonsense mediated decay, it is expected to alter mRNA translation or result in a truncated protein product. This variant has not been reported in the literature in individuals affected with FANCA-related conditions. This variant disrupts a region of the FANCA protein in which other variant(s) (p.Asp1427Thrfs*6) have been determined to be pathogenic (PMID: 11091222). This suggests that this is a clinically significant region of the protein, and that variants that disrupt it are likely to be disease-causing. For these reasons, this variant has been classified as Pathogenic.

Literature cited by the submitters: PubMed 11091222.

NC_000016.9:g.(?_89805009)_(89862436_?)del

Genes: ZNF276 (zinc finger protein 276; plus strand), FANCA (FA complementation group A; minus strand). Cytogenetic location: 16q24.3.
Variant type: Deletion.
Identifiers: ClinVar variation 3243245 (VCV003243245.1).